The following is an entry in ClinVar:

ClinVar aggregate classification (germline): Uncertain significance (1 of 4 stars; one submission).

Allele frequency attached by ClinVar (database versions not stated): gnomAD exomes below 0.00001; TOPMed below 0.00001.
gnomAD v4.1: 2 of 1,608,950 alleles (0.00012%); highest among the groups gnomAD compares: Non-Finnish European, 0.00017%; no homozygotes.

Submission:

Labcorp Genetics (formerly Invitae), Labcorp
Classification: Uncertain significance. Last evaluated: 2021-11-25. Review status: criteria provided, single submitter. Criteria: Invitae Variant Classification Sherloc (09022015). Collection method: clinical testing. Allele origin: germline.
Comment: This sequence change replaces aspartic acid, which is acidic and polar, with valine, which is neutral and non-polar, at codon 2653 of the SZT2 protein (p.Asp2653Val). This variant is not present in population databases (gnomAD no frequency). This variant has not been reported in the literature in individuals affected with SZT2-related conditions. Algorithms developed to predict the effect of missense changes on protein structure and function (SIFT, PolyPhen-2, Align-GVGD) all suggest that this variant is likely to be disruptive. In summary, the available evidence is currently insufficient to determine the role of this variant in disease. Therefore, it has been classified as a Variant of Uncertain Significance.

NM_001365999.1(SZT2):c.8129A>T (p.Asp2710Val)

Gene: SZT2 (SZT2 subunit of KICSTOR complex; plus strand). Cytogenetic location: 1p34.2.
Variant type: single nucleotide variant.
Coding change: c.8129A>T on transcript NM_001365999.1 (MANE Select); coding-DNA position 8129, A replaced by T.
Protein change: p.Asp2710Val; replaces aspartic acid 2710 with valine.
Molecular consequence: missense variant.
Genome position (GRCh38, 1-based): chr1:43,442,596, A>T. VCF-style: chr1-43442596-A-T. GRCh37 (hg19) VCF-style: chr1-43908267-A-T.
Other names: c.7958A>T, p.Asp2653Val (NM_015284.4); short protein forms D2653V, D2710V.
Identifiers: ClinVar variation 1364238 (VCV001364238.3), dbSNP rs929264543, ClinGen allele CA21648206.
Genomic context (GRCh38, chr1:43,442,596, plus strand): 5'-ATCTCATCTTCTGCCTACTCAGCCAGAAGCTTGGCCTCTTCCATCATTATGGCCAGTTGG[A>T]CTTCCCCGTGCGAGATGAAAAGGTGCCTGCTGCTCTGGTTCTTCCTATAGTTTTGGCTAC-3'
Protein context (NP_001352928.1, residues 2700-2720): LGLFHHYGQL[Asp2710Val]FPVRDEKEPN